The following is an entry in ClinVar:

ClinVar aggregate classification (germline): Uncertain significance (1 of 4 stars; one submission).

Conditions:
Hereditary cancer-predisposing syndrome. Also called: Tumor predisposition; Hereditary Cancer Syndrome; Neoplastic Syndromes, Hereditary; Hereditary neoplastic syndrome. Identifiers: Orphanet 140162, MedGen C0027672, MeSH D009386, MONDO:0015356.

Submission:

Color Diagnostics, LLC DBA Color Health
Classification: Uncertain significance for Hereditary cancer-predisposing syndrome. Last evaluated: 2025-06-12. Review status: criteria provided, single submitter. Criteria: ACMG Guidelines, 2015. Collection method: clinical testing. Allele origin: germline.
Comment: This missense variant replaces cysteine with arginine at codon 2117 of the BRCA2 protein. Computational prediction suggests that this variant may not impact protein structure and function. To our knowledge, functional studies have not been reported for this variant. This variant has not been reported in individuals affected with BRCA2-related disorders in the literature. This variant has not been identified in the general population by the Genome Aggregation Database (gnomAD). The available evidence is insufficient to determine the role of this variant in disease conclusively. Therefore, this variant is classified as a Variant of Uncertain Significance.

NM_000059.4(BRCA2):c.6349T>C (p.Cys2117Arg)

Gene: BRCA2 (BRCA2 DNA repair associated; plus strand). Cytogenetic location: 13q13.1.
Variant type: single nucleotide variant.
Coding change: c.6349T>C on transcript NM_000059.4 (MANE Select); coding-DNA position 6349, T replaced by C.
Protein change: p.Cys2117Arg; replaces cysteine 2117 with arginine.
Molecular consequence: missense variant. On other transcripts: non-coding transcript variant (1), intron variant (2).
Genome position (GRCh38, 1-based): chr13:32,340,704, T>C. VCF-style: chr13-32340704-T-C. GRCh37 (hg19) VCF-style: chr13-32914841-T-C.
Other names: c.6349T>C, p.Cys2117Arg (NM_001406719.1, NM_001406720.1, NM_001432077.1); c.1910-3854T>C (NM_001406721.1); c.425-3854T>C (NM_001406722.1); short protein forms C2117R.
Identifiers: ClinVar variation 4757228 (VCV004757228.1).